The following is an entry in ClinVar:

NM_006030.4(CACNA2D2):c.2336A>T (p.Asn779Ile)

Genes: CACNA2D2 (calcium voltage-gated channel auxiliary subunit alpha2delta 2; minus strand), LOC101928965 (uncharacterized LOC101928965; plus strand), LOC127898564 (CYB561D2-LOC101928965; plus strand). Cytogenetic location: 3p21.31.
Variant type: single nucleotide variant.
Coding change: c.2336A>T on transcript NM_006030.4 (MANE Select); coding-DNA position 2336, A replaced by T.
Protein change: p.Asn779Ile; replaces asparagine 779 with isoleucine.
Molecular consequence: missense variant.
Genome position (GRCh38, 1-based): chr3:50,367,459, T>A on the plus strand (A>T on the coding strand, the complement: CACNA2D2 is on the minus strand). VCF-style: chr3-50367459-T-A. GRCh37 (hg19) VCF-style: chr3-50404890-T-A.
Other names: c.2336A>T, p.Asn779Ile (NM_001005505.3); c.2357A>T, p.Asn786Ile (NM_001174051.3); c.2129A>T, p.Asn710Ile (NM_001291101.1); short protein forms N710I, N779I, N786I.
Identifiers: ClinVar variation 852687 (VCV000852687.8), dbSNP rs780364290, ClinGen allele CA352913520.

ClinVar aggregate classification (germline): Uncertain significance (1 of 4 stars; one submission).

Conditions:
Early-infantile DEE. Also called: Ohtahara syndrome; Early infantile epileptic encephalopathy with suppression bursts; Early infantile epileptic encephalopathy. Identifiers: Orphanet 1934, MedGen C0393706, MONDO:0800491.

Submission:

Labcorp Genetics (formerly Invitae), Labcorp
Classification: Uncertain significance for Early-infantile DEE. Last evaluated: 2019-09-19. Review status: criteria provided, single submitter. Criteria: Invitae Variant Classification Sherloc (09022015). Collection method: clinical testing. Allele origin: germline.
Comment: In summary, the available evidence is currently insufficient to determine the role of this variant in disease. Therefore, it has been classified as a Variant of Uncertain Significance. Algorithms developed to predict the effect of missense changes on protein structure and function are either unavailable or do not agree on the potential impact of this missense change (SIFT: "Deleterious"; PolyPhen-2: "Probably Damaging"; Align-GVGD: "Class C15"). This variant has not been reported in the literature in individuals with CACNA2D2-related conditions. This variant is not present in population databases (ExAC no frequency). This sequence change replaces asparagine with isoleucine at codon 779 of the CACNA2D2 protein (p.Asn779Ile). The asparagine residue is highly conserved and there is a large physicochemical difference between asparagine and isoleucine.